The following is an entry in ClinVar:

NM_000230.3(LEP):c.420C>T (p.Tyr140=)

Gene: LEP (leptin; plus strand). Cytogenetic location: 7q32.1.
Variant type: single nucleotide variant.
Coding change: c.420C>T on transcript NM_000230.3 (MANE Select); coding-DNA position 420, C replaced by T.
Protein change: p.Tyr140=; no amino-acid change (tyrosine 140 retained).
Molecular consequence: synonymous variant.
Genome position (GRCh38, 1-based): chr7:128,254,679, C>T. VCF-style: chr7-128254679-C-T. GRCh37 (hg19) VCF-style: chr7-127894732-C-T.
Identifiers: ClinVar variation 4985845 (VCV004985845.1).

ClinVar aggregate classification (germline): Likely benign (1 of 4 stars; one submission).

Conditions:
LEP-related disorder. Also called: LEP-related condition.

gnomAD v4.1: 1 of 1,614,058 alleles (0.000062%); highest among the groups gnomAD compares: Non-Finnish European, 0.000085%; no homozygotes.

Submission:

PreventionGenetics, part of Exact Sciences
Classification: Likely benign for LEP-related condition. Last evaluated: 2025-02-27. Review status: criteria provided, single submitter. Criteria: ACMG Guidelines, 2015. Collection method: clinical testing. Allele origin: germline.
Comment: This variant is classified as likely benign based on ACMG/AMP sequence variant interpretation guidelines (Richards et al. 2015 PMID: 25741868, with internal and published modifications).